The following is an entry in ClinVar:

ClinVar aggregate classification (germline): Uncertain significance (1 of 4 stars; one submission).

Allele frequency attached by ClinVar (database versions not stated): gnomAD 0.00005; 1000 Genomes Project 30x 0.00016; 1000 Genomes Project 0.00020.

Submission:

Labcorp Genetics (formerly Invitae), Labcorp
Classification: Uncertain significance. Last evaluated: 2025-10-14. Review status: criteria provided, single submitter. Criteria: Invitae Variant Classification Sherloc (09022015). Collection method: clinical testing. Allele origin: germline.
Comment: This sequence change replaces arginine, which is basic and polar, with cysteine, which is neutral and slightly polar, at codon 137 of the IRF2BP2 protein (p.Arg137Cys). This variant is present in population databases (rs534600817, gnomAD 0.007%). This variant has not been reported in the literature in individuals affected with IRF2BP2-related conditions. ClinVar contains an entry for this variant (Variation ID: 1906819). An algorithm developed to predict the effect of missense changes on protein structure and function (PolyPhen-2) suggests that this variant is likely to be disruptive. In summary, the available evidence is currently insufficient to determine the role of this variant in disease. Therefore, it has been classified as a Variant of Uncertain Significance.

NM_182972.3(IRF2BP2):c.409C>T (p.Arg137Cys)

Genes: IRF2BP2 (interferon regulatory factor 2 binding protein 2; minus strand), LOC129932812 (ATAC-STARR-seq lymphoblastoid silent region 1977; plus strand). Cytogenetic location: 1q42.3.
Variant type: single nucleotide variant.
Coding change: c.409C>T on transcript NM_182972.3 (MANE Select); coding-DNA position 409, C replaced by T.
Protein change: p.Arg137Cys; replaces arginine 137 with cysteine.
Molecular consequence: missense variant.
Genome position (GRCh38, 1-based): chr1:234,609,086, G>A on the plus strand (C>T on the coding strand, the complement: IRF2BP2 is on the minus strand). VCF-style: chr1-234609086-G-A. GRCh37 (hg19) VCF-style: chr1-234744832-G-A.
Other names: c.409C>T, p.Arg137Cys (NM_001077397.1); short protein forms R137C.
Identifiers: ClinVar variation 1906819 (VCV001906819.5), dbSNP rs534600817, ClinGen allele CA39546772.
Genomic context (GRCh38, chr1:234,609,086, plus strand): 5'-GGATGCCGTTCACGGGCGGCGGCTGCGGCGTCGGCGGCTGGGCCAGGCTCGCTGCCGGGC[G>A]GCTGCTGCCGAAGTCAGAGCCGAGGCGCGGGGGCCTCTCGGCCGCGGCCGCCAACGGGTA-3'
Protein context (NP_892017.2, residues 127-147): PRLGSDFGSS[Arg137Cys]PAASLAQPPT